The following is an entry in ClinVar:

NM_015662.3(IFT172):c.4819A>G (p.Ile1607Val)

Genes: IFT172 (intraflagellar transport 172; minus strand), KRTCAP3 (keratinocyte associated protein 3; plus strand). Cytogenetic location: 2p23.3.
Variant type: single nucleotide variant.
Coding change: c.4819A>G on transcript NM_015662.3 (MANE Select); coding-DNA position 4819, A replaced by G.
Protein change: p.Ile1607Val; replaces isoleucine 1607 with valine.
Molecular consequence: missense variant. On other transcripts: intron variant (1).
Genome position (GRCh38, 1-based): chr2:27,445,840, T>C on the plus strand (A>G on the coding strand, the complement: IFT172 is on the minus strand). VCF-style: chr2-27445840-T-C. GRCh37 (hg19) VCF-style: chr2-27668707-T-C.
Other names: c.4753A>G, p.Ile1585Val (NM_001410739.1); c.*6-461T>C (NM_001168364.2); short protein forms I1585V, I1607V.
Identifiers: ClinVar variation 3030898 (VCV003030898.2), dbSNP rs2465790056, ClinGen allele CA346414898.

ClinVar aggregate classification (germline): Uncertain significance (0 of 4 stars; one submission).

Conditions:
IFT172-related disorder. Also called: IFT172-related disorders; IFT172-related condition.

Allele frequency attached by ClinVar (database versions not stated): gnomAD exomes 0.00001.
gnomAD v4.1: 3 of 1,614,142 alleles (0.00019%); highest among the groups gnomAD compares: Non-Finnish European, 0.00025%; no homozygotes.

Submission:

PreventionGenetics, part of Exact Sciences
Classification: Uncertain significance for IFT172-related condition. Last evaluated: 2023-12-21. Review status: no assertion criteria provided. Collection method: clinical testing. Allele origin: germline.
Comment: The IFT172 c.4819A>G variant is predicted to result in the amino acid substitution p.Ile1607Val. To our knowledge, this variant has not been reported in the literature or in a large population database, indicating this variant is rare. At this time, the clinical significance of this variant is uncertain due to the absence of conclusive functional and genetic evidence.